The following is an entry in ClinVar:

NM_000235.4(LIPA):c.313_314del (p.Gly105fs)

Gene: LIPA (lipase A, lysosomal acid type; minus strand). Cytogenetic location: 10q23.31.
Variant type: Deletion.
Coding change: c.313_314del on transcript NM_000235.4 (MANE Select); coding-DNA positions 313 to 314, 2 bases deleted (GG; older notation c.313_314delGG).
Protein change: p.Gly105fs; shifts the reading frame from glycine 105.
Molecular consequence: frameshift variant. On other transcripts: 5 prime UTR variant (1).
Genome position (GRCh38, 1-based): chr10:89,228,314-89,228,315, CC deleted on the plus strand (GG on the coding strand, the reverse complement: LIPA is on the minus strand); deleting any 2 consecutive bases within chr10:89,228,314-89,228,316 gives the same sequence; the c. name uses the placement nearest the transcript's 3' end. VCF-style (leftmost placement, unchanged base first): chr10-89228313-GCC-G. GRCh37 (hg19) VCF-style: chr10-90988070-GCC-G.
Other names: c.313_314del, p.Gly105fs (NM_001127605.3); c.-36_-35del (NM_001288979.2); short protein forms G105fs.
Identifiers: ClinVar variation 1725873 (VCV001725873.2), dbSNP rs2495595750, ClinGen allele CA2580082280.
Genomic context (GRCh38, chr10:89,228,313, plus strand): 5'-CCAGGTATTTCCTCTGCTGTTGCCCATCCACACGTCAAAACCAGCATCAGCAAGAATGAA[GCC>G]CAGGCTGCTGTTGGCAAGGTTTGTGACCCAGTTACTAGAATCTGCCAGCAAGCCATGTTG-3'

ClinVar aggregate classification (germline): Likely pathogenic (1 of 4 stars; one submission).

Conditions:
Lysosomal acid lipase deficiency. Also called: Acid cholesteryl ester hydrolase deficiency, type 2. Identifiers: Orphanet 275761, MedGen C5574740, MONDO:0800449, MONDO:0010204.

Submission:

Myriad Genetics, Inc.
Classification: Likely pathogenic for Cholesteryl ester storage disease. Last evaluated: 2022-04-04. Review status: criteria provided, single submitter. Criteria: Myriad Women's Health Autosomal Recessive and X-Linked Classification Criteria (2021). Collection method: clinical testing. Allele origin: unknown.
Comment: NM_000235.2(LIPA):c.313_314delGG(G105Lfs*5) is expected to be pathogenic in the context of lysosomal acid lipase deficiency. This variant is predicted to lead to an abnormal or absent protein product due to the creation of a premature termination codon in LIPA, a gene where loss-of-function variants are known to be pathogenic. Please note: this variant was assessed in the context of healthy population screening.